The following is an entry in ClinVar:

ClinVar aggregate classification (germline): Uncertain significance (1 of 4 stars; one submission).

Conditions:
Aortic valve disease 2 (AOVD2). Identifiers: MedGen C3542024, MONDO:0013902, OMIM 614823.

Allele frequency attached by ClinVar (database versions not stated): TOPMed below 0.00001.

Submission:

Labcorp Genetics (formerly Invitae), Labcorp
Classification: Uncertain significance for Aortic valve disease 2. Last evaluated: 2022-08-20. Review status: criteria provided, single submitter. Criteria: Invitae Variant Classification Sherloc (09022015). Collection method: clinical testing. Allele origin: germline.
Comment: This sequence change replaces proline, which is neutral and non-polar, with leucine, which is neutral and non-polar, at codon 152 of the SMAD6 protein (p.Pro152Leu). In summary, the available evidence is currently insufficient to determine the role of this variant in disease. Therefore, it has been classified as a Variant of Uncertain Significance. Algorithms developed to predict the effect of missense changes on protein structure and function output the following: SIFT: "Tolerated"; PolyPhen-2: "Benign"; Align-GVGD: "Class C0". The leucine amino acid residue is found in multiple mammalian species, which suggests that this missense change does not adversely affect protein function. This variant has not been reported in the literature in individuals affected with SMAD6-related conditions. This variant is not present in population databases (gnomAD no frequency).

NM_005585.5(SMAD6):c.455C>T (p.Pro152Leu)

Gene: SMAD6 (SMAD family member 6; plus strand). Cytogenetic location: 15q22.31.
Variant type: single nucleotide variant.
Coding change: c.455C>T on transcript NM_005585.5 (MANE Select); coding-DNA position 455, C replaced by T.
Protein change: p.Pro152Leu; replaces proline 152 with leucine.
Molecular consequence: missense variant. On other transcripts: non-coding transcript variant (1).
Genome position (GRCh38, 1-based): chr15:66,703,713, C>T. VCF-style: chr15-66703713-C-T. GRCh37 (hg19) VCF-style: chr15-66996051-C-T.
Other names: short protein forms P152L.
Identifiers: ClinVar variation 2084355 (VCV002084355.4), dbSNP rs1893035101, ClinGen allele CA392949590.